The following is an entry in ClinVar:

ClinVar aggregate classification (germline): Conflicting classifications of pathogenicity. Review status: criteria provided, conflicting classifications (1 of 4 stars). 3 submissions from 3 submitters: Uncertain significance (1); Benign (1); Likely benign (1). Last evaluated 2025-10-02.

Conditions:
Inborn genetic diseases. Identifiers: MedGen C0950123, MeSH D030342.
Epileptic encephalopathy. Identifiers: MedGen C0543888, HP:0200134.

Allele frequency attached by ClinVar (database versions not stated): gnomAD 0.00001; TOPMed 0.00002.
gnomAD v4.1: 31 of 1,613,332 alleles (0.0019%); highest among the groups gnomAD compares: Non-Finnish European, 0.0025%; no homozygotes.

Submissions (3):

Labcorp Genetics (formerly Invitae), Labcorp
Classification: Benign for Epileptic encephalopathy. Last evaluated: 2025-10-02. Review status: criteria provided, single submitter. Criteria: Invitae Variant Classification Sherloc (09022015). Collection method: clinical testing. Allele origin: germline.

Ambry Genetics
Classification: Uncertain significance for Inborn genetic diseases. Last evaluated: 2024-01-02. Review status: criteria provided, single submitter. Criteria: Ambry Variant Classification Scheme 2023. Collection method: clinical testing. Allele origin: germline.

CeGaT Center for Human Genetics Tuebingen
Classification: Likely benign. Last evaluated: 2023-08-01. Review status: criteria provided, single submitter. Criteria: CeGaT Center For Human Genetics Tuebingen Variant Classification Criteria Version 2. Collection method: clinical testing. Allele origin: germline. Affected: yes. Observed: 1 variant allele.
Comment: GABBR2: BS1

NM_005458.8(GABBR2):c.1925G>T (p.Arg642Leu)

Gene: GABBR2 (gamma-aminobutyric acid type B receptor subunit 2; minus strand). Cytogenetic location: 9q22.33.
Variant type: single nucleotide variant.
Coding change: c.1925G>T on transcript NM_005458.8 (MANE Select); coding-DNA position 1925, G replaced by T.
Protein change: p.Arg642Leu; replaces arginine 642 with leucine.
Molecular consequence: missense variant.
Genome position (GRCh38, 1-based): chr9:98,311,174, C>A on the plus strand (G>T on the coding strand, the complement: GABBR2 is on the minus strand). VCF-style: chr9-98311174-C-A. GRCh37 (hg19) VCF-style: chr9-101073456-C-A.
Other names: short protein forms R642L.
Identifiers: ClinVar variation 855500 (VCV000855500.34), dbSNP rs781275870, ClinGen allele CA5152565.